The following is an entry in ClinVar:

NM_001163809.2(WDR81):c.4154C>T (p.Thr1385Met)

Gene: WDR81 (WD repeat domain 81; plus strand). Cytogenetic location: 17p13.3.
Variant type: single nucleotide variant.
Coding change: c.4154C>T on transcript NM_001163809.2 (MANE Select); coding-DNA position 4154, C replaced by T.
Protein change: p.Thr1385Met; replaces threonine 1385 with methionine.
Molecular consequence: missense variant.
Genome position (GRCh38, 1-based): chr17:1,731,255, C>T. VCF-style: chr17-1731255-C-T. GRCh37 (hg19) VCF-style: chr17-1634549-C-T.
Other names: p.Thr1385Met; c.545C>T, p.Thr182Met (NM_001163673.2); c.473C>T, p.Thr158Met (NM_001163811.2); c.1001C>T, p.Thr334Met (NM_152348.4); short protein forms T1385M, T182M, T334M, T158M.
Identifiers: ClinVar variation 3190281 (VCV003190281.2), dbSNP rs375460864, ClinGen allele CA8273452.

ClinVar aggregate classification (germline): Uncertain significance. Review status: criteria provided, multiple submitters, no conflicts (2 of 4 stars). 2 submissions from 2 submitters: Uncertain significance (2). Last evaluated 2025-10-16.

Conditions:
Inborn genetic diseases. Identifiers: MedGen C0950123, MeSH D030342.

Allele frequency attached by ClinVar (database versions not stated): ESP Exome Variant Server 0.00008.
gnomAD v4.1: 28 of 1,612,688 alleles (0.0017%); highest among the groups gnomAD compares: Middle Eastern, 0.016%; no homozygotes.

Submissions (2):

Mayo Clinic Laboratories, Mayo Clinic
Classification: Uncertain significance. Last evaluated: 2025-10-16. Review status: criteria provided, single submitter. Criteria: ACMG Guidelines, 2015. Collection method: clinical testing. Allele origin: germline. Observed: 1 variant allele.
Comment: BP4_moderate

Ambry Genetics
Classification: Uncertain significance for Inborn genetic diseases. Last evaluated: 2023-10-05. Review status: criteria provided, single submitter. Criteria: Ambry Variant Classification Scheme 2023. Collection method: clinical testing. Allele origin: germline.